The following is an entry in ClinVar:

NM_000545.8(HNF1A):c.463A>G (p.Lys155Glu)

Gene: HNF1A (HNF1 homeobox A; plus strand). Cytogenetic location: 12q24.31.
Variant type: single nucleotide variant.
Coding change: c.463A>G on transcript NM_000545.8 (MANE Select); coding-DNA position 463, A replaced by G.
Protein change: p.Lys155Glu; replaces lysine 155 with glutamic acid.
Molecular consequence: missense variant.
Genome position (GRCh38, 1-based): chr12:120,988,969, A>G. VCF-style: chr12-120988969-A-G. GRCh37 (hg19) VCF-style: chr12-121426772-A-G.
Other names: c.463A>G, p.Lys155Glu (NM_001306179.2, NM_001406915.1); short protein forms K155E.
Identifiers: ClinVar variation 4741349 (VCV004741349.2).

ClinVar aggregate classification (germline): Uncertain significance. Review status: criteria provided, multiple submitters, no conflicts (2 of 4 stars). 2 submissions from 2 submitters: Uncertain significance (2). Last evaluated 2026-02-09.

Submissions (2):

GeneDx
Classification: Uncertain significance. Last evaluated: 2026-02-09. Review status: criteria provided, single submitter. Criteria: GeneDx Variant Classification Process June 2021. Collection method: clinical testing. Allele origin: germline.
Comment: Not observed at significant frequency in large population cohorts (gnomAD); In silico analysis supports that this missense variant has a deleterious effect on protein structure/function; Has not been previously published as pathogenic or benign to our knowledge; This variant is associated with the following publications: (PMID: 12453420)

Labcorp Genetics (formerly Invitae), Labcorp
Classification: Uncertain significance. Last evaluated: 2025-09-28. Review status: criteria provided, single submitter. Criteria: Invitae Variant Classification Sherloc (09022015). Collection method: clinical testing. Allele origin: germline.
Comment: This sequence change replaces lysine, which is basic and polar, with glutamic acid, which is acidic and polar, at codon 155 of the HNF1A protein (p.Lys155Glu). This variant is not present in population databases (gnomAD no frequency). This variant has not been reported in the literature in individuals affected with HNF1A-related conditions. Invitae Evidence Modeling of protein sequence and biophysical properties (such as structural, functional, and spatial information, amino acid conservation, physicochemical variation, residue mobility, and thermodynamic stability) has been performed for this missense variant. However, the output from this modeling did not meet the statistical confidence thresholds required to predict the impact of this variant on HNF1A protein function. In summary, the available evidence is currently insufficient to determine the role of this variant in disease. Therefore, it has been classified as a Variant of Uncertain Significance.